The following is an entry in ClinVar:

NM_001267550.2(TTN):c.93223T>A (p.Phe31075Ile)

Genes: TTN (titin; minus strand), TTN-AS1 (TTN antisense RNA 1; plus strand). Cytogenetic location: 2q31.2.
Variant type: single nucleotide variant.
Coding change: c.93223T>A on transcript NM_001267550.2 (MANE Select); coding-DNA position 93223, T replaced by A.
Protein change: p.Phe31075Ile; replaces phenylalanine 31075 with isoleucine.
Molecular consequence: missense variant.
Genome position (GRCh38, 1-based): chr2:178,548,403, A>T on the plus strand (T>A on the coding strand, the complement: TTN is on the minus strand). VCF-style: chr2-178548403-A-T. GRCh37 (hg19) VCF-style: chr2-179413130-A-T.
Other names: c.88300T>A, p.Phe29434Ile (NM_001256850.1); c.66028T>A, p.Phe22010Ile (NM_003319.4); c.85519T>A, p.Phe28507Ile (NM_133378.4); c.66403T>A, p.Phe22135Ile (NM_133432.3); c.66604T>A, p.Phe22202Ile (NM_133437.4); short protein forms F29434I, F31075I, F22135I, F22010I, F22202I, F28507I.
Identifiers: ClinVar variation 515420 (VCV000515420.1), dbSNP rs956327300, ClinGen allele CA60973917.
Genomic context (GRCh38, chr2:178,548,403, plus strand): 5'-CATTTACTGCAGAAACACGGAAATAGTACGGAACACCTTCGGCCAGGTCATTGACCTTGA[A>T]GATCTGACGAGTGCATTTTTCACTGATAACCTGCCAACTACGGCGACTTGCCTCTCGTTT-3'
Protein context (NP_001254479.2, residues 31065-31085): VISEKCTRQI[Phe31075Ile]KVNDLAEGVP

ClinVar aggregate classification (germline): Likely benign (1 of 4 stars; one submission).

Allele frequency attached by ClinVar (database versions not stated): gnomAD 0.00001 and 0.00003.
gnomAD v4.1: 1 of 1,613,742 alleles (0.000062%); highest among the groups gnomAD compares: Admixed American, 0.0017%; no homozygotes.

Submission:

GeneDx
Classification: Likely benign. Last evaluated: 2018-02-08. Review status: criteria provided, single submitter. Criteria: GeneDx Variant Classification (06012015). Collection method: clinical testing. Allele origin: germline. Affected: yes.
Comment: This variant is considered likely benign or benign based on one or more of the following criteria: it is a conservative change, it occurs at a poorly conserved position in the protein, it is predicted to be benign by multiple in silico algorithms, and/or has population frequency not consistent with disease.